The following is an entry in ClinVar:

ClinVar aggregate classification (germline): Conflicting classifications of pathogenicity. Review status: criteria provided, conflicting classifications (1 of 4 stars). 3 submissions from 3 submitters: Uncertain significance (2); Benign (1). Last evaluated 2025-12-02.

Conditions:
Familial thoracic aortic aneurysm and aortic dissection (TAAD). Also called: Thoracic aortic aneurysms and dissections. Identifiers: Orphanet 91387, MedGen C4707243, MONDO:0019625.
Adams-Oliver syndrome 5 (AOS5). Identifiers: Orphanet 974, MedGen C4014970, MONDO:0014459, OMIM 616028.

Allele frequency attached by ClinVar (database versions not stated): gnomAD exomes 0.00002; TOPMed 0.00003; gnomAD 0.00003 and 0.00004; 1000 Genomes Project 30x 0.00016; 1000 Genomes Project 0.00020; ExAC 0.00001.
gnomAD v4.1: 28 of 1,611,152 alleles (0.0017%); highest among the groups gnomAD compares: African/African-American, 0.015%; no homozygotes.

Submissions (3):

Ambry Genetics
Classification: Uncertain significance for Familial thoracic aortic aneurysm and aortic dissection. Last evaluated: 2025-12-02. Review status: criteria provided, single submitter. Criteria: Ambry Variant Classification Scheme 2023. Collection method: clinical testing. Allele origin: germline.
Comment: The c.362C>T (p.T121M) alteration is located in exon 3 (coding exon 3) of the NOTCH1 gene. This alteration results from a C to T substitution at nucleotide position 362, causing the threonine (T) at amino acid position 121 to be replaced by a methionine (M). Based on data from gnomAD, the T allele has an overall frequency of 0.002% (4/242742) total alleles studied. The highest observed frequency was 0.014% (2/14778) of African alleles. Based on insufficient or conflicting evidence, the clinical significance of this alteration remains unclear.

Centre of Medical Genetics, University of Antwerp
Classification: Uncertain significance for Familial thoracic aortic aneurysm and aortic dissection. Last evaluated: 2024-09-06. Review status: criteria provided, single submitter. Criteria: ACMG Guidelines, 2015. Collection method: clinical testing. Allele origin: germline. Affected: yes.

Labcorp Genetics (formerly Invitae), Labcorp
Classification: Benign for Adams-Oliver syndrome 5. Last evaluated: 2024-06-28. Review status: criteria provided, single submitter. Criteria: Invitae Variant Classification Sherloc (09022015). Collection method: clinical testing. Allele origin: germline.

NM_017617.5(NOTCH1):c.362C>T (p.Thr121Met)

Gene: NOTCH1 (notch receptor 1; minus strand). Cytogenetic location: 9q34.3.
Variant type: single nucleotide variant.
Coding change: c.362C>T on transcript NM_017617.5 (MANE Select); coding-DNA position 362, C replaced by T.
Protein change: p.Thr121Met; replaces threonine 121 with methionine.
Molecular consequence: missense variant.
Genome position (GRCh38, 1-based): chr9:136,523,758, G>A on the plus strand (C>T on the coding strand, the complement: NOTCH1 is on the minus strand). VCF-style: chr9-136523758-G-A. GRCh37 (hg19) VCF-style: chr9-139418210-G-A.
Other names: c.362C>T (NM_017617.3); short protein forms T121M.
Identifiers: ClinVar variation 1465327 (VCV001465327.10), dbSNP rs529738206, ClinGen allele CA5342198.
Genomic context (GRCh38, chr9:136,523,758, plus strand): 5'-GCTGTGGGTCCTCCCTCACCTGACCAGCCGGGCGGGCAGCGGCACTTGTACTCCGTCAGC[G>A]TGAGCAGGTCGCAGGTGCCCCCGTTGCGGCAGGGGTTGGTGAGGCAGGCATTGTCCAGGG-3'
Protein context (NP_060087.3, residues 111-131): CRNGGTCDLL[Thr121Met]LTEYKCRCPP